The following is an entry in ClinVar:

ClinVar aggregate classification (germline): Pathogenic. Review status: criteria provided, multiple submitters, no conflicts (2 of 4 stars). 2 submissions from 2 submitters: Pathogenic (2). Last evaluated 2024-08-27.

Conditions:
Muscular dystrophy-dystroglycanopathy (congenital with brain and eye anomalies), type a, 11 (MDDGA11). Also called: Congenital muscular dystrophy-dystroglycanopathy with brain and eye anomalies, type A11; WALKER-WARBURG SYNDROME OR MUSCLE-EYE-BRAIN DISEASE, B3GALNT2-RELATED; Muscular dystrophy-dystroglycanopathy (congenital with brain and eye anomalies, type A, 11. Identifiers: Orphanet 588, Orphanet 899, MedGen C3554638, MONDO:0014071, OMIM 615181.

gnomAD v4.1: 9 of 1,612,926 alleles (0.00056%); highest among the groups gnomAD compares: African/African-American, 0.004%; no homozygotes.

Submissions (2):

Labcorp Genetics (formerly Invitae), Labcorp
Classification: Pathogenic for Muscular dystrophy-dystroglycanopathy (congenital with brain and eye anomalies), type a, 11. Last evaluated: 2024-08-27. Review status: criteria provided, single submitter. Criteria: Invitae Variant Classification Sherloc (09022015). Collection method: clinical testing. Allele origin: germline.
Comment: This sequence change creates a premature translational stop signal (p.Arg393*) in the B3GALNT2 gene. It is expected to result in an absent or disrupted protein product. Loss-of-function variants in B3GALNT2 are known to be pathogenic (PMID: 23453667). The frequency data for this variant in the population databases is considered unreliable, as metrics indicate poor data quality at this position in the gnomAD database. This variant has not been reported in the literature in individuals affected with B3GALNT2-related conditions. ClinVar contains an entry for this variant (Variation ID: 1324021). For these reasons, this variant has been classified as Pathogenic.

Revvity Omics, Revvity
Classification: Pathogenic for Muscular dystrophy-dystroglycanopathy (congenital with brain and eye anomalies), type a, 11. Last evaluated: 2020-04-14. Review status: criteria provided, single submitter. Criteria: ACMG Guidelines, 2015. Collection method: clinical testing. Allele origin: germline.

Literature cited by the submitters: PubMed 23453667 (cited by Labcorp Genetics (formerly Invitae), Labcorp).

NM_152490.5(B3GALNT2):c.1177C>T (p.Arg393Ter)

Gene: B3GALNT2 (beta-1,3-N-acetylgalactosaminyltransferase 2; minus strand). Cytogenetic location: 1q42.3.
Variant type: single nucleotide variant.
Coding change: c.1177C>T on transcript NM_152490.5 (MANE Select); coding-DNA position 1177, C replaced by T.
Protein change: p.Arg393Ter; replaces arginine 393 with a stop codon.
Molecular consequence: nonsense.
Genome position (GRCh38, 1-based): chr1:235,454,290, G>A on the plus strand (C>T on the coding strand, the complement: B3GALNT2 is on the minus strand). VCF-style: chr1-235454290-G-A. GRCh37 (hg19) VCF-style: chr1-235617602-G-A.
Other names: short protein forms R393*.
Identifiers: ClinVar variation 1324021 (VCV001324021.7), dbSNP rs1300792331, ClinGen allele CA344957146.